The following is an entry in ClinVar:

NM_002968.3(SALL1):c.1954G>A (p.Ala652Thr)

Gene: SALL1 (spalt like transcription factor 1; minus strand). Cytogenetic location: 16q12.1.
Variant type: single nucleotide variant.
Coding change: c.1954G>A on transcript NM_002968.3 (MANE Select); coding-DNA position 1954, G replaced by A.
Protein change: p.Ala652Thr; replaces alanine 652 with threonine.
Molecular consequence: missense variant.
Genome position (GRCh38, 1-based): chr16:51,140,268, C>T on the plus strand (G>A on the coding strand, the complement: SALL1 is on the minus strand). VCF-style: chr16-51140268-C-T. GRCh37 (hg19) VCF-style: chr16-51174179-C-T.
Other names: c.1663G>A, p.Ala555Thr (NM_001127892.2); short protein forms A555T, A652T.
Identifiers: ClinVar variation 2138840 (VCV002138840.5), dbSNP rs776664263, ClinGen allele CA8053190.
Genomic context (GRCh38, chr16:51,140,268, plus strand): 5'-CCTTGAACTGCTCGGACATGAGCGGCAACAAAGGGTTGGTGAAGGTGGTGGCACTGCCCG[C>T]GGGGCCGCAGTCTGCCGCTGGGGAGCTCAGGACGCTACTGCTCGCCGTCGGGACTGAGTT-3'
Protein context (NP_002959.2, residues 642-662): LSSPAADCGP[Ala652Thr]GSATTFTNPL

ClinVar aggregate classification (germline): Uncertain significance. Review status: criteria provided, multiple submitters, no conflicts (2 of 4 stars). 2 submissions from 2 submitters: Uncertain significance (2). Last evaluated 2025-10-24.

Conditions:
Townes syndrome (TBS). Also called: Townes-Brocks syndrome. Identifiers: Orphanet 857, MedGen C0265246, MeSH C536974, MONDO:0007142.
Inborn genetic diseases. Identifiers: MedGen C0950123, MeSH D030342.

Allele frequency attached by ClinVar (database versions not stated): gnomAD 0.00002; ExAC 0.00004; TOPMed 0.00008.
gnomAD v4.1: 44 of 1,614,044 alleles (0.0027%); highest among the groups gnomAD compares: South Asian, 0.032%; no homozygotes.

Submissions (2):

Ambry Genetics
Classification: Uncertain significance for Inborn genetic diseases. Last evaluated: 2025-10-24. Review status: criteria provided, single submitter. Criteria: Ambry Variant Classification Scheme 2023. Collection method: clinical testing. Allele origin: germline.

Labcorp Genetics (formerly Invitae), Labcorp
Classification: Uncertain significance for Townes syndrome. Last evaluated: 2024-12-23. Review status: criteria provided, single submitter. Criteria: Invitae Variant Classification Sherloc (09022015). Collection method: clinical testing. Allele origin: germline.
Comment: This sequence change replaces alanine, which is neutral and non-polar, with threonine, which is neutral and polar, at codon 652 of the SALL1 protein (p.Ala652Thr). This variant is present in population databases (rs776664263, gnomAD 0.02%). This variant has not been reported in the literature in individuals affected with SALL1-related conditions. ClinVar contains an entry for this variant (Variation ID: 2138840). Invitae Evidence Modeling of protein sequence and biophysical properties (such as structural, functional, and spatial information, amino acid conservation, physicochemical variation, residue mobility, and thermodynamic stability) indicates that this missense variant is not expected to disrupt SALL1 protein function with a negative predictive value of 80%. In summary, the available evidence is currently insufficient to determine the role of this variant in disease. Therefore, it has been classified as a Variant of Uncertain Significance.